The following is an entry in ClinVar:

NM_182914.3(SYNE2):c.11930T>C (p.Ile3977Thr)

Gene: SYNE2 (spectrin repeat containing nuclear envelope protein 2; plus strand). Cytogenetic location: 14q23.2.
Variant type: single nucleotide variant.
Coding change: c.11930T>C on transcript NM_182914.3 (MANE Select); coding-DNA position 11930, T replaced by C.
Protein change: p.Ile3977Thr; replaces isoleucine 3977 with threonine.
Molecular consequence: missense variant.
Genome position (GRCh38, 1-based): chr14:64,091,002, T>C. VCF-style: chr14-64091002-T-C. GRCh37 (hg19) VCF-style: chr14-64557720-T-C.
Other names: c.11930T>C, p.Ile3977Thr (NM_015180.6); c.11930T>C (NM_182914.2); short protein forms I3977T.
Identifiers: ClinVar variation 1051328 (VCV001051328.10), dbSNP rs1459437577, ClinGen allele CA389949243.

ClinVar aggregate classification (germline): Uncertain significance. Review status: criteria provided, multiple submitters, no conflicts (2 of 4 stars). 2 submissions from 2 submitters: Uncertain significance (2). Last evaluated 2025-02-22.

Conditions:
Emery-Dreifuss muscular dystrophy 5, autosomal dominant (EDMD5). Also called: EMERY-DREIFUSS MUSCULAR DYSTROPHY 5. Identifiers: Orphanet 261, MedGen C2751805, MONDO:0013072, OMIM 612999.

Allele frequency attached by ClinVar (database versions not stated): gnomAD exomes 0.00001; gnomAD 0.00002.
gnomAD v4.1: 11 of 1,614,018 alleles (0.00068%); highest among the groups gnomAD compares: East Asian, 0.0022%; no homozygotes.

Submissions (2):

Ambry Genetics
Classification: Uncertain significance. Last evaluated: 2025-02-22. Review status: criteria provided, single submitter. Criteria: Ambry Variant Classification Scheme 2023. Collection method: clinical testing. Allele origin: germline.

Labcorp Genetics (formerly Invitae), Labcorp
Classification: Uncertain significance for Emery-Dreifuss muscular dystrophy 5, autosomal dominant. Last evaluated: 2024-10-07. Review status: criteria provided, single submitter. Criteria: Invitae Variant Classification Sherloc (09022015). Collection method: clinical testing. Allele origin: germline.
Comment: This sequence change replaces isoleucine, which is neutral and non-polar, with threonine, which is neutral and polar, at codon 3977 of the SYNE2 protein (p.Ile3977Thr). This variant is present in population databases (no rsID available, gnomAD 0.005%). This variant has not been reported in the literature in individuals affected with SYNE2-related conditions. ClinVar contains an entry for this variant (Variation ID: 1051328). An algorithm developed to predict the effect of missense changes on protein structure and function (PolyPhen-2) suggests that this variant is likely to be tolerated. In summary, the available evidence is currently insufficient to determine the role of this variant in disease. Therefore, it has been classified as a Variant of Uncertain Significance.